The following is an entry in ClinVar:

NM_001127222.2(CACNA1A):c.88G>A (p.Gly30Arg)

Gene: CACNA1A (calcium voltage-gated channel subunit alpha1 A; minus strand). Cytogenetic location: 19p13.13.
Variant type: single nucleotide variant.
Coding change: c.88G>A on transcript NM_001127222.2 (MANE Select); coding-DNA position 88, G replaced by A.
Protein change: p.Gly30Arg; replaces glycine 30 with arginine.
Molecular consequence: missense variant.
Genome position (GRCh38, 1-based): chr19:13,506,137, C>T on the plus strand (G>A on the coding strand, the complement: CACNA1A is on the minus strand). VCF-style: chr19-13506137-C-T. GRCh37 (hg19) VCF-style: chr19-13616951-C-T.
Other names: c.88G>A, p.Gly30Arg (NM_023035.3, NM_000068.4, NM_001127221.2 and 1 more transcripts); short protein forms G30R.
Identifiers: ClinVar variation 4527803 (VCV004527803.1).

ClinVar aggregate classification (germline): Uncertain significance (1 of 4 stars; one submission).

Submission:

GeneDx
Classification: Uncertain significance. Last evaluated: 2025-05-01. Review status: criteria provided, single submitter. Criteria: GeneDx Variant Classification Process June 2021. Collection method: clinical testing. Allele origin: germline. Affected: yes.
Comment: Not observed at significant frequency in large population cohorts (gnomAD); In silico analysis supports that this missense variant has a deleterious effect on protein structure/function; Has not been previously published as pathogenic or benign to our knowledge